The following is an entry in ClinVar:

ClinVar aggregate classification (germline): Uncertain significance. Review status: criteria provided, multiple submitters, no conflicts (2 of 4 stars). 2 submissions from 2 submitters: Uncertain significance (2). Last evaluated 2024-02-27.

Conditions:
Inborn genetic diseases. Identifiers: MedGen C0950123, MeSH D030342.

Allele frequency attached by ClinVar (database versions not stated): TOPMed 0.00001; gnomAD exomes 0.00004 and 0.00001; ExAC 0.00001.
gnomAD v4.1: 54 of 1,613,682 alleles (0.0033%); highest among the groups gnomAD compares: Non-Finnish European, 0.0045%; no homozygotes.

Submissions (2):

Ambry Genetics
Classification: Uncertain significance for Inborn genetic diseases. Last evaluated: 2024-02-27. Review status: criteria provided, single submitter. Criteria: Ambry Variant Classification Scheme 2023. Collection method: clinical testing. Allele origin: germline.

Labcorp Genetics (formerly Invitae), Labcorp
Classification: Uncertain significance. Last evaluated: 2022-02-10. Review status: criteria provided, single submitter. Criteria: Invitae Variant Classification Sherloc (09022015). Collection method: clinical testing. Allele origin: germline.
Comment: This sequence change replaces asparagine, which is neutral and polar, with serine, which is neutral and polar, at codon 590 of the C6 protein (p.Asn590Ser). This variant is present in population databases (rs776707501, gnomAD 0.003%). This variant has not been reported in the literature in individuals affected with C6-related conditions. Algorithms developed to predict the effect of missense changes on protein structure and function output the following: SIFT: "Tolerated"; PolyPhen-2: "Possibly Damaging"; Align-GVGD: "Class C0". The serine amino acid residue is found in multiple mammalian species, which suggests that this missense change does not adversely affect protein function. In summary, the available evidence is currently insufficient to determine the role of this variant in disease. Therefore, it has been classified as a Variant of Uncertain Significance.

NM_000065.5(C6):c.1769A>G (p.Asn590Ser)

Gene: C6 (complement C6; minus strand). Cytogenetic location: 5p13.1.
Variant type: single nucleotide variant.
Coding change: c.1769A>G on transcript NM_000065.5 (MANE Select); coding-DNA position 1769, A replaced by G.
Protein change: p.Asn590Ser; replaces asparagine 590 with serine.
Molecular consequence: missense variant.
Genome position (GRCh38, 1-based): chr5:41,159,169, T>C on the plus strand (A>G on the coding strand, the complement: C6 is on the minus strand). VCF-style: chr5-41159169-T-C. GRCh37 (hg19) VCF-style: chr5-41159271-T-C.
Other names: c.1769A>G, p.Asn590Ser (NM_001115131.4); c.1769A>G (NM_000065.2); short protein forms N590S.
Identifiers: ClinVar variation 1382098 (VCV001382098.4), dbSNP rs776707501, ClinGen allele CA3252345.